The following is an entry in ClinVar:

ClinVar aggregate classification (germline): Pathogenic/Likely pathogenic. Review status: criteria provided, multiple submitters, no conflicts (2 of 4 stars). 2 submissions from 2 submitters: Pathogenic (1); Likely pathogenic (1). Last evaluated 2018-03-29.

Conditions:
Enterokinase deficiency. Also called: Congenital enteropathy due to enteropeptidase deficiency; ENTEROPEPTIDASE DEFICIENCY; Deficiency of enteropeptidase. Identifiers: Orphanet 168601, MedGen C0268416, MONDO:0009173, OMIM 226200.

Submissions (2):

Labcorp Genetics (formerly Invitae), Labcorp
Classification: Pathogenic. Last evaluated: 2018-03-29. Review status: criteria provided, single submitter. Criteria: Invitae Variant Classification Sherloc (09022015). Collection method: clinical testing. Allele origin: germline.
Comment: This sequence change creates a premature translational stop signal (p.Lys775Asnfs*58) in the TMPRSS15 gene. It is expected to result in an absent or disrupted protein product. This variant is present in population databases (rs749950017, ExAC 0.04%). This variant has not been reported in the literature in individuals with TMPRSS15-related disease. Loss-of-function variants in TMPRSS15 are known to be pathogenic (PMID: 11719902). For these reasons, this variant has been classified as Pathogenic.

CENTOGENE GmbH and LLC - Guiding Precision Medicine
Classification: Likely pathogenic for Enterokinase deficiency. Review status: criteria provided, single submitter. Criteria: ACMG Guidelines, 2015. Collection method: clinical testing. Allele origin: germline. Affected: yes.

Literature cited by the submitters: PubMed 11719902 (cited by Labcorp Genetics (formerly Invitae), Labcorp).

NM_002772.3(TMPRSS15):c.2325del (p.Lys775fs)

Gene: TMPRSS15 (transmembrane serine protease 15; minus strand). Cytogenetic location: 21q21.1.
Variant type: Deletion.
Coding change: c.2325del on transcript NM_002772.3 (MANE Select); coding-DNA position 2325, one base deleted (A; older notation c.2325delA).
Protein change: p.Lys775fs; shifts the reading frame from lysine 775.
Molecular consequence: frameshift variant.
Genome position (GRCh38, 1-based): chr21:18,294,431, T deleted on the plus strand (A on the coding strand, the reverse complement: TMPRSS15 is on the minus strand); the first of 7 consecutive T bases (chr21:18,294,431-18,294,437); deleting any one gives the same sequence. VCF-style (leftmost placement, unchanged base first): chr21-18294430-GT-G. GRCh37 (hg19) VCF-style: chr21-19666747-GT-G.
Other names: short protein forms K775fs.
Identifiers: ClinVar variation 973546 (VCV000973546.7), dbSNP rs749950017, ClinGen allele CA9984089.